The following is an entry in ClinVar:

NM_001189.4(NKX3-2):c.906C>T (p.Pro302=)

Gene: NKX3-2 (NK3 homeobox 2; minus strand). Cytogenetic location: 4p15.33.
Variant type: single nucleotide variant.
Coding change: c.906C>T on transcript NM_001189.4 (MANE Select); coding-DNA position 906, C replaced by T.
Protein change: p.Pro302=; no amino-acid change (proline 302 retained).
Molecular consequence: synonymous variant.
Genome position (GRCh38, 1-based): chr4:13,542,089, G>A on the plus strand (C>T on the coding strand, the complement: NKX3-2 is on the minus strand). VCF-style: chr4-13542089-G-A. GRCh37 (hg19) VCF-style: chr4-13543713-G-A.
Identifiers: ClinVar variation 3058375 (VCV003058375.2), dbSNP rs1428977299, ClinGen allele CA438697653.

ClinVar aggregate classification (germline): Likely benign (0 of 4 stars; one submission).

Conditions:
NKX3-2-related disorder. Also called: NKX3-2-related condition.

Submission:

PreventionGenetics, part of Exact Sciences
Classification: Likely benign for NKX3-2-related condition. Last evaluated: 2019-03-14. Review status: no assertion criteria provided. Collection method: clinical testing. Allele origin: germline.
Comment: This variant is classified as likely benign based on ACMG/AMP sequence variant interpretation guidelines (Richards et al. 2015 PMID: 25741868, with internal and published modifications).